The following is an entry in ClinVar:

ClinVar aggregate classification (germline): Conflicting classifications of pathogenicity. Review status: criteria provided, conflicting classifications (1 of 4 stars). 2 submissions from 2 submitters: Uncertain significance (1); Likely benign (1). Last evaluated 2025-12-01.

Conditions:
Inborn genetic diseases. Identifiers: MedGen C0950123, MeSH D030342.
Developmental and epileptic encephalopathy, 30 (DEE30). Also called: Epileptic encephalopathy, early infantile, 30. Identifiers: MedGen C4225360, MONDO:0014595, OMIM 616341.

Allele frequency attached by ClinVar (database versions not stated): ExAC 0.00006; gnomAD exomes 0.00007; 1000 Genomes Project 0.00020.

Submissions (2):

Labcorp Genetics (formerly Invitae), Labcorp
Classification: Uncertain significance for Developmental and epileptic encephalopathy, 30. Last evaluated: 2025-12-01. Review status: criteria provided, single submitter. Criteria: Invitae Variant Classification Sherloc (09022015). Collection method: clinical testing. Allele origin: germline.
Comment: This sequence change replaces glycine, which is neutral and non-polar, with serine, which is neutral and polar, at codon 737 of the SIK1 protein (p.Gly737Ser). This variant is present in population databases (rs544711047, gnomAD 0.03%). This variant has not been reported in the literature in individuals affected with SIK1-related conditions. ClinVar contains an entry for this variant (Variation ID: 589062). Invitae Evidence Modeling of protein sequence and biophysical properties (such as structural, functional, and spatial information, amino acid conservation, physicochemical variation, residue mobility, and thermodynamic stability) indicates that this missense variant is not expected to disrupt SIK1 protein function with a negative predictive value of 95%. In summary, the available evidence is currently insufficient to determine the role of this variant in disease. Therefore, it has been classified as a Variant of Uncertain Significance.

Ambry Genetics
Classification: Likely benign for Inborn genetic diseases. Last evaluated: 2017-05-11. Review status: criteria provided, single submitter. Criteria: Ambry Variant Classification Scheme 2023. Collection method: clinical testing. Allele origin: germline.

NM_173354.5(SIK1):c.2209G>A (p.Gly737Ser)

Gene: SIK1 (salt inducible kinase 1; minus strand). Cytogenetic location: 21q22.3.
Variant type: single nucleotide variant.
Coding change: c.2209G>A on transcript NM_173354.5 (MANE Select); coding-DNA position 2209, G replaced by A.
Protein change: p.Gly737Ser; replaces glycine 737 with serine.
Molecular consequence: missense variant.
Genome position (GRCh38, 1-based): chr21:43,416,885, C>T on the plus strand (G>A on the coding strand, the complement: SIK1 is on the minus strand). VCF-style: chr21-43416885-C-T. GRCh37 (hg19) VCF-style: chr21-44836765-C-T.
Other names: short protein forms G737S.
Identifiers: ClinVar variation 589062 (VCV000589062.13), dbSNP rs544711047, ClinGen allele CA321324332.
Genomic context (GRCh38, chr21:43,416,885, plus strand): 5'-CACAACCTGGGGCCAGCCTGGCCAGGCGTGGTGGGGGCACAGCGGGGAGGGCGGTGGGGC[C>T]GGTGCCAATGTGCAGGTGTGTGTCCAGGAGCTGCGCCGCTGAGGCCACCGGGGACGCGCC-3'
Protein context (NP_775490.2, residues 727-747): LLDTHLHIGT[Gly737Ser]PTALPAVPPP